The following is an entry in ClinVar:

ClinVar aggregate classification (germline): Pathogenic (1 of 4 stars; one submission).

Conditions:
Myoclonic dystonia 11 (DYT11). Also called: DYT-SGCE; Myoclonic dystonia; Dystonia 11; Dystonia, alcohol responsive; Hereditary essential myoclonus; SGCE Myoclonus-Dystonia. Identifiers: Orphanet 36899, MedGen C1834570, MONDO:0008044, OMIM 159900.

Submission:

Labcorp Genetics (formerly Invitae), Labcorp
Classification: Pathogenic for Myoclonic dystonia 11. Last evaluated: 2020-09-21. Review status: criteria provided, single submitter. Criteria: Invitae Variant Classification Sherloc (09022015). Collection method: clinical testing. Allele origin: germline.
Comment: This variant is an out-of-frame deletion of the genomic region encompassing exon(s) 4 of the SGCE gene. This is expected to create a premature translational stop signal and result in an absent or disrupted protein product. This variant has not been reported in the literature in individuals with SGCE-related conditions. Loss-of-function variants in SGCE are known to be pathogenic (PMID: 12821748, 15389977, 17853490, 24297365). For these reasons, this variant has been classified as Pathogenic.

Literature cited by the submitters: PubMed 12821748; PubMed 15389977; PubMed 17853490; PubMed 24297365.

NC_000007.13:g.(?_94252627)_(94252719_?)del

Gene: SGCE (sarcoglycan epsilon; minus strand). Cytogenetic location: 7q21.3.
Variant type: Deletion.
Identifiers: ClinVar variation 1073071 (VCV001073071.1).